The following is an entry in ClinVar:

NM_006939.4(SOS2):c.3753C>A (p.Asp1251Glu)

Gene: SOS2 (SOS Ras/Rho guanine nucleotide exchange factor 2; minus strand). Cytogenetic location: 14q21.3.
Variant type: single nucleotide variant.
Coding change: c.3753C>A on transcript NM_006939.4 (MANE Select); coding-DNA position 3753, C replaced by A.
Protein change: p.Asp1251Glu; replaces aspartic acid 1251 with glutamic acid.
Molecular consequence: missense variant.
Genome position (GRCh38, 1-based): chr14:50,118,590, G>T on the plus strand (C>A on the coding strand, the complement: SOS2 is on the minus strand). VCF-style: chr14-50118590-G-T. GRCh37 (hg19) VCF-style: chr14-50585308-G-T.
Other names: c.3654C>A, p.Asp1218Glu (NM_001411020.1); short protein forms D1251E, D1218E.
Identifiers: ClinVar variation 3959871 (VCV003959871.1).

ClinVar aggregate classification (germline): Uncertain significance (1 of 4 stars; one submission).

Conditions:
Cardiovascular phenotype. Identifiers: MedGen CN230736.

Submission:

Ambry Genetics
Classification: Uncertain significance for Cardiovascular phenotype. Last evaluated: 2025-05-26. Review status: criteria provided, single submitter. Criteria: Ambry Variant Classification Scheme 2023. Collection method: clinical testing. Allele origin: germline.
Comment: The p.D1251E variant (also known as c.3753C>A), located in coding exon 23 of the SOS2 gene, results from a C to A substitution at nucleotide position 3753. The aspartic acid at codon 1251 is replaced by glutamic acid, an amino acid with highly similar properties. This amino acid position is conserved. In addition, this alteration is predicted to be tolerated by in silico analysis. Based on the available evidence, the clinical significance of this variant remains unclear.